The following is an entry in ClinVar:

NM_002691.4(POLD1):c.2154+11G>A

Gene: POLD1 (DNA polymerase delta 1, catalytic subunit; plus strand). Cytogenetic location: 19q13.33.
Variant type: single nucleotide variant.
Coding change: c.2154+11G>A on transcript NM_002691.4 (MANE Select); 11 bases into the intron after coding-DNA position 2154, G replaced by A.
Molecular consequence: intron variant.
Genome position (GRCh38, 1-based): chr19:50,409,677, G>A. VCF-style: chr19-50409677-G-A. GRCh37 (hg19) VCF-style: chr19-50912934-G-A.
Other names: c.2154+11G>A (LRG_785t1, NM_001256849.1); c.2232+11G>A (LRG_785t2, NM_001308632.1).
Identifiers: ClinVar variation 387450 (VCV000387450.8), dbSNP rs755701909, ClinGen allele CA9596398.

ClinVar aggregate classification (germline): Likely benign. Review status: criteria provided, multiple submitters, no conflicts (2 of 4 stars). 2 submissions from 2 submitters: Likely benign (2). Last evaluated 2026-01-20.

Conditions:
POLD1-related polyposis and colorectal cancer syndrome (CRCS10). Also called: Colorectal cancer, susceptibility to, 10; Colorectal cancer 10; COLORECTAL CANCER, SUSCEPTIBILITY TO, ON CHROMOSOME 19q. Identifiers: Orphanet 220460, MedGen C2675481, MONDO:0012953, OMIM 612591.

Allele frequency attached by ClinVar (database versions not stated): gnomAD exomes below 0.00001 and 0.00001; ExAC 0.00002; TOPMed 0.00002.
gnomAD v4.1: 5 of 1,589,950 alleles (0.00031%); highest among the groups gnomAD compares: South Asian, 0.0011%; no homozygotes.

Submissions (2):

Labcorp Genetics (formerly Invitae), Labcorp
Classification: Likely benign for POLD1-related polyposis and colorectal cancer syndrome. Last evaluated: 2026-01-20. Review status: criteria provided, single submitter. Criteria: Invitae Variant Classification Sherloc (09022015). Collection method: clinical testing. Allele origin: germline.

GeneDx
Classification: Likely benign. Last evaluated: 2016-07-01. Review status: criteria provided, single submitter. Criteria: GeneDx Variant Classification (06012015). Collection method: clinical testing. Allele origin: germline. Affected: yes.
Comment: This variant is considered likely benign or benign based on one or more of the following criteria: it is a conservative change, it occurs at a poorly conserved position in the protein, it is predicted to be benign by multiple in silico algorithms, and/or has population frequency not consistent with disease.